The following is an entry in ClinVar:

NM_001171.6(ABCC6):c.3691G>T (p.Val1231Leu)

Gene: ABCC6 (ATP binding cassette subfamily C member 6; minus strand). Cytogenetic location: 16p13.11.
Variant type: single nucleotide variant.
Coding change: c.3691G>T on transcript NM_001171.6 (MANE Select); coding-DNA position 3691, G replaced by T.
Protein change: p.Val1231Leu; replaces valine 1231 with leucine.
Molecular consequence: missense variant. On other transcripts: non-coding transcript variant (1).
Genome position (GRCh38, 1-based): chr16:16,159,526, C>A on the plus strand (G>T on the coding strand, the complement: ABCC6 is on the minus strand). VCF-style: chr16-16159526-C-A. GRCh37 (hg19) VCF-style: chr16-16253383-C-A.
Other names: c.3349G>T, p.Val1117Leu (NM_001351800.1); short protein forms V1117L, V1231L.
Identifiers: ClinVar variation 1923337 (VCV001923337.5), dbSNP rs141728905, ClinGen allele CA394878761.

ClinVar aggregate classification (germline): Uncertain significance (1 of 4 stars; one submission).

gnomAD v4.1: 1 of 1,614,156 alleles (0.000062%); highest among the groups gnomAD compares: Middle Eastern, 0.016%; no homozygotes.

Submission:

Labcorp Genetics (formerly Invitae), Labcorp
Classification: Uncertain significance. Last evaluated: 2022-01-28. Review status: criteria provided, single submitter. Criteria: Invitae Variant Classification Sherloc (09022015). Collection method: clinical testing. Allele origin: germline.
Comment: In summary, the available evidence is currently insufficient to determine the role of this variant in disease. Therefore, it has been classified as a Variant of Uncertain Significance. Algorithms developed to predict the effect of missense changes on protein structure and function are either unavailable or do not agree on the potential impact of this missense change (SIFT: "Tolerated"; PolyPhen-2: "Possibly Damaging"; Align-GVGD: "Class C0"). This variant has not been reported in the literature in individuals affected with ABCC6-related conditions. This variant is not present in population databases (gnomAD no frequency). This sequence change replaces valine, which is neutral and non-polar, with leucine, which is neutral and non-polar, at codon 1231 of the ABCC6 protein (p.Val1231Leu).